The following is an entry in ClinVar:

ClinVar aggregate classification (germline): Uncertain significance (1 of 4 stars; one submission).

Conditions:
Intellectual developmental disorder with ocular anomalies and distinctive facial features (IDDOF). Identifiers: MedGen C5774238, MONDO:0859303, OMIM 620086.

Submission:

Dasa
Classification: Uncertain significance for Intellectual developmental disorder with ocular anomalies and distinctive facial features. Last evaluated: 2026-04-26. Review status: criteria provided, single submitter. Criteria: DASA Assertion Criteria. Collection method: clinical testing. Allele origin: germline.
Comment: NM_138383.3(MTSS2):c.1444T>C (p.Cys482Arg) is a missense variant that results in the substitution of cysteine with arginine. This variant is rare in population databases. The currently available literature and clinical evidence are not sufficient to establish a definitive association between this variant and the reported condition. Therefore, this variant is classified as a variant of uncertain significance.

NM_138383.3(MTSS2):c.1444T>C (p.Cys482Arg)

Gene: MTSS2 (MTSS I-BAR domain containing 2; minus strand). Cytogenetic location: 16q22.1.
Variant type: single nucleotide variant.
Coding change: c.1444T>C on transcript NM_138383.3 (MANE Select); coding-DNA position 1444, T replaced by C.
Protein change: p.Cys482Arg; replaces cysteine 482 with arginine.
Molecular consequence: missense variant.
Genome position (GRCh38, 1-based): chr16:70,664,625, A>G on the plus strand (T>C on the coding strand, the complement: MTSS2 is on the minus strand). VCF-style: chr16-70664625-A-G. GRCh37 (hg19) VCF-style: chr16-70698528-A-G.
Other names: short protein forms C482R.
Identifiers: ClinVar variation 4883225 (VCV004883225.2).